The following is an entry in ClinVar:

NM_013266.4(CTNNA3):c.1124G>A (p.Arg375Lys)

Gene: CTNNA3 (catenin alpha 3; minus strand). Cytogenetic location: 10q21.3.
Variant type: single nucleotide variant.
Coding change: c.1124G>A on transcript NM_013266.4 (MANE Select); coding-DNA position 1124, G replaced by A.
Protein change: p.Arg375Lys; replaces arginine 375 with lysine.
Molecular consequence: missense variant.
Genome position (GRCh38, 1-based): chr10:66,775,448, C>T on the plus strand (G>A on the coding strand, the complement: CTNNA3 is on the minus strand). VCF-style: chr10-66775448-C-T. GRCh37 (hg19) VCF-style: chr10-68535206-C-T.
Other names: c.1124G>A, p.Arg375Lys (NM_001127384.3); short protein forms R375K.
Identifiers: ClinVar variation 4235679 (VCV004235679.1).
Genomic context (GRCh38, chr10:66,775,448, plus strand): 5'-ATAACAGTTTCATTTAGCCCCTATGTTTCTGACTCCATATCTCTCTCTTCCCTCACCTGT[C>T]TGCGAAGGTCTCTTGTCTTCTTACACATGTTGTCTAAAGCAATATTCAGGGTATTACTCC-3'
Protein context (NP_037398.2, residues 365-385): NMCKKTRDLR[Arg375Lys]QLRKAIIDHV

ClinVar aggregate classification (germline): Uncertain significance (1 of 4 stars; one submission).

gnomAD v4.1: 1 of 1,607,160 alleles (0.000062%); highest among the groups gnomAD compares: Non-Finnish European, 0.000085%; no homozygotes.

Submission:

Ambry Genetics
Classification: Uncertain significance. Last evaluated: 2025-08-09. Review status: criteria provided, single submitter. Criteria: Ambry Variant Classification Scheme 2023. Collection method: clinical testing. Allele origin: germline.
Comment: The p.R375K variant (also known as c.1124G>A), located in coding exon 7 of the CTNNA3 gene, results from a G to A substitution at nucleotide position 1124. The arginine at codon 375 is replaced by lysine, an amino acid with highly similar properties. This amino acid position is conserved. In addition, the in silico prediction for this alteration is inconclusive. Based on the available evidence, the clinical significance of this variant remains unclear.